The following is an entry in ClinVar:

NM_004855.5(PIGB):c.299A>C (p.Asn100Thr)

Gene: PIGB (phosphatidylinositol glycan anchor biosynthesis class B; plus strand). Cytogenetic location: 15q21.3.
Variant type: single nucleotide variant.
Coding change: c.299A>C on transcript NM_004855.5 (MANE Select); coding-DNA position 299, A replaced by C.
Protein change: p.Asn100Thr; replaces asparagine 100 with threonine.
Molecular consequence: missense variant.
Genome position (GRCh38, 1-based): chr15:55,320,410, A>C. VCF-style: chr15-55320410-A-C. GRCh37 (hg19) VCF-style: chr15-55612608-A-C.
Other names: short protein forms N100T.
Identifiers: ClinVar variation 2154784 (VCV002154784.1), dbSNP rs776524575, ClinGen allele CA7573801.

ClinVar aggregate classification (germline): Uncertain significance (1 of 4 stars; one submission).

gnomAD v4.1: 82 of 1,612,500 alleles (0.0051%); highest among the groups gnomAD compares: Non-Finnish European, 0.0064%; no homozygotes.

Submission:

Labcorp Genetics (formerly Invitae), Labcorp
Classification: Uncertain significance. Last evaluated: 2022-08-08. Review status: criteria provided, single submitter. Criteria: Invitae Variant Classification Sherloc (09022015). Collection method: clinical testing. Allele origin: germline.
Comment: This sequence change replaces asparagine, which is neutral and polar, with threonine, which is neutral and polar, at codon 100 of the PIGB protein (p.Asn100Thr). This variant is present in population databases (rs776524575, gnomAD 0.007%). This variant has not been reported in the literature in individuals affected with PIGB-related conditions. Algorithms developed to predict the effect of missense changes on protein structure and function are either unavailable or do not agree on the potential impact of this missense change (SIFT: "Not Available"; PolyPhen-2: "Benign"; Align-GVGD: "Not Available"). In summary, the available evidence is currently insufficient to determine the role of this variant in disease. Therefore, it has been classified as a Variant of Uncertain Significance.